The following is an entry in ClinVar:

ClinVar aggregate classification (germline): Uncertain significance (1 of 4 stars; one submission).

Conditions:
ANXA11-related disorder. Also called: ANXA11-related condition.

gnomAD v4.1: 5 of 1,612,242 alleles (0.00031%); highest among the groups gnomAD compares: Non-Finnish European, 0.00042%; no homozygotes.

Submission:

PreventionGenetics, part of Exact Sciences
Classification: Uncertain significance for ANXA11-related condition. Last evaluated: 2026-04-13. Review status: criteria provided, single submitter. Criteria: ACMG Guidelines, 2015. Collection method: clinical testing. Allele origin: germline.
Comment: The ANXA11 c.1118G>A variant is predicted to result in the amino acid substitution p.Gly373Glu. To our knowledge, this variant has not been reported in the literature. This variant is reported in 0.00088% of alleles in individuals of European (Non-Finnish) descent in gnomAD. At this time, the clinical significance of this variant is uncertain due to the absence of conclusive functional and genetic evidence.

NM_145868.2(ANXA11):c.1118G>A (p.Gly373Glu)

Gene: ANXA11 (annexin A11; minus strand). Cytogenetic location: 10q22.3.
Variant type: single nucleotide variant.
Coding change: c.1118G>A on transcript NM_145868.2 (MANE Select); coding-DNA position 1118, G replaced by A.
Protein change: p.Gly373Glu; replaces glycine 373 with glutamic acid.
Molecular consequence: missense variant.
Genome position (GRCh38, 1-based): chr10:80,161,997, C>T on the plus strand (G>A on the coding strand, the complement: ANXA11 is on the minus strand). VCF-style: chr10-80161997-C-T. GRCh37 (hg19) VCF-style: chr10-81921753-C-T.
Other names: c.1118G>A, p.Gly373Glu (NM_001157.3, NM_001278407.2, NM_001278408.2 and 1 more transcripts); c.1019G>A, p.Gly340Glu (NM_001278409.2); short protein forms G340E, G373E.
Identifiers: ClinVar variation 4985963 (VCV004985963.1).
Genomic context (GRCh38, chr10:80,161,997, plus strand): 5'-GCTACCAGGTGGGCCCGGCTCCGGGAGCACAGAACCGCATTGAACTTGGACTCGTCTGTT[C>T]CCAGGCGGTTCTCCCCGGCCGCATACAGCTCCTGGAGAGAGAGGAAGACGCACATGTGGC-3'
Protein context (NP_665875.1, residues 363-383): ELYAAGENRL[Gly373Glu]TDESKFNAVL